The following is an entry in ClinVar:

NM_001128834.3(PLP1):c.-143-51C>T

Genes: PLP1 (proteolipid protein 1; plus strand), RAB9B (RAB9B, member RAS oncogene family; minus strand). Cytogenetic location: Xq22.2.
Variant type: single nucleotide variant.
Coding change: c.-143-51C>T on transcript NM_001128834.3; 51 bases into the intron before 143 bases upstream of the start codon, C replaced by T.
Molecular consequence: intron variant.
Genome position (GRCh38, 1-based): chrX:103,776,802, C>T. VCF-style: chrX-103776802-C-T. GRCh37 (hg19) VCF-style: chrX-103031730-C-T.
Identifiers: ClinVar variation 2661103 (VCV002661103.22), dbSNP rs192952647, ClinGen allele CA334000418.

ClinVar aggregate classification (germline): Likely benign (1 of 4 stars; one submission).

Allele frequency attached by ClinVar (database versions not stated): gnomAD 0.00009; TOPMed 0.00010; 1000 Genomes Project 0.00079; 1000 Genomes Project 30x 0.00104; gnomAD exomes 0.00044.
gnomAD v4.1: 164 of 460,364 alleles (0.036%); highest among the groups gnomAD compares: South Asian, 0.42%; no homozygotes.

Submission:

CeGaT Center for Human Genetics Tuebingen
Classification: Likely benign. Last evaluated: 2023-01-01. Review status: criteria provided, single submitter. Criteria: CeGaT Center For Human Genetics Tuebingen Variant Classification Criteria Version 2. Collection method: clinical testing. Allele origin: germline. Affected: yes. Observed: 2 variant alleles.
Comment: PLP1: BS2